The following is an entry in ClinVar:

NM_003718.5(CDK13):c.571G>A (p.Gly191Arg)

Genes: CDK13 (cyclin dependent kinase 13; plus strand), LOC129998293 (ATAC-STARR-seq lymphoblastoid silent region 18116; plus strand). Cytogenetic location: 7p14.1.
Variant type: single nucleotide variant.
Coding change: c.571G>A on transcript NM_003718.5 (MANE Select); coding-DNA position 571, G replaced by A.
Protein change: p.Gly191Arg; replaces glycine 191 with arginine.
Molecular consequence: missense variant.
Genome position (GRCh38, 1-based): chr7:39,951,212, G>A. VCF-style: chr7-39951212-G-A. GRCh37 (hg19) VCF-style: chr7-39990811-G-A.
Other names: c.571G>A, p.Gly191Arg (NM_031267.4); short protein forms G191R.
Identifiers: ClinVar variation 1690624 (VCV001690624.7), dbSNP rs1231778180, ClinGen allele CA367310010.

ClinVar aggregate classification (germline): Uncertain significance. Review status: criteria provided, multiple submitters, no conflicts (2 of 4 stars). 2 submissions from 2 submitters: Uncertain significance (2). Last evaluated 2025-06-02.

Allele frequency attached by ClinVar (database versions not stated): gnomAD 0.00001; TOPMed 0.00001.

Submissions (2):

Labcorp Genetics (formerly Invitae), Labcorp
Classification: Uncertain significance. Last evaluated: 2025-06-02. Review status: criteria provided, single submitter. Criteria: Invitae Variant Classification Sherloc (09022015). Collection method: clinical testing. Allele origin: germline.
Comment: This sequence change replaces glycine, which is neutral and non-polar, with arginine, which is basic and polar, at codon 191 of the CDK13 protein (p.Gly191Arg). This variant is present in population databases (no rsID available, gnomAD no frequency). This variant has not been reported in the literature in individuals affected with CDK13-related conditions. ClinVar contains an entry for this variant (Variation ID: 1690624). Invitae Evidence Modeling of protein sequence and biophysical properties (such as structural, functional, and spatial information, amino acid conservation, physicochemical variation, residue mobility, and thermodynamic stability) indicates that this missense variant is not expected to disrupt CDK13 protein function with a negative predictive value of 95%. In summary, the available evidence is currently insufficient to determine the role of this variant in disease. Therefore, it has been classified as a Variant of Uncertain Significance.

Laboratorio de Genetica e Diagnostico Molecular, Hospital Israelita Albert Einstein
Classification: Uncertain significance. Last evaluated: 2021-04-09. Review status: criteria provided, single submitter. Criteria: ACMG Guidelines, 2015. Collection method: clinical testing. Allele origin: germline. Affected: yes.
Comment: ACMG classification criteria: PM2, BP4